The following is an entry in ClinVar:

ClinVar aggregate classification (germline): Uncertain significance (1 of 4 stars; one submission).

Conditions:
Mega-corpus-callosum syndrome with cerebellar hypoplasia and cortical malformations. Identifiers: MedGen C4748927, MONDO:0032648, OMIM 618273.

Allele frequency attached by ClinVar (database versions not stated): gnomAD exomes below 0.00001.
gnomAD v4.1: 1 of 1,564,566 alleles (0.000064%); highest among the groups gnomAD compares: Non-Finnish European, 0.000086%; no homozygotes.

Submission:

Foundation for Research in Genetics and Endocrinology, FRIGE's Institute of Human Genetics
Classification: Uncertain significance for Mega-corpus-callosum syndrome with cerebellar hypoplasia and cortical malformations. Last evaluated: 2020-06-16. Review status: criteria provided, single submitter. Criteria: ACMG Guidelines, 2015. Collection method: clinical testing. Allele origin: germline. Inheritance: Autosomal dominant inheritance. Affected: yes. Observed: 1 heterozygote.
Comment: A heterozygous missense variation in exon 26 of the MAST1 gene that results in the amino acid substitution of Serine for Glycine at codon 1365 was detected. The observed variant c.4093G>A (p.Gly1365Ser) has not been reported in the 1000 genomes and gnomAD databases. The in silico prediction of the variant are damaging (low confidence) by SIFT and benign by PolyPhen-2 (HumDiv), LRT and MutationTaster2. The reference codon is conserved across mammals. In summary, the variant meets our criteria to be classified as a variant of uncertain significance.

NM_014975.3(MAST1):c.4093G>A (p.Gly1365Ser)

Gene: MAST1 (microtubule associated serine/threonine kinase 1; plus strand). Cytogenetic location: 19p13.13.
Variant type: single nucleotide variant.
Coding change: c.4093G>A on transcript NM_014975.3 (MANE Select); coding-DNA position 4093, G replaced by A.
Protein change: p.Gly1365Ser; replaces glycine 1365 with serine.
Molecular consequence: missense variant.
Genome position (GRCh38, 1-based): chr19:12,874,250, G>A. VCF-style: chr19-12874250-G-A. GRCh37 (hg19) VCF-style: chr19-12985064-G-A.
Other names: short protein forms G1365S.
Identifiers: ClinVar variation 978706 (VCV000978706.3), dbSNP rs1231369269, ClinGen allele CA404289906.
Genomic context (GRCh38, chr19:12,874,250, plus strand): 5'-TTGCTGCCCGAGGGTGCCTCCAGGCCACCAGTGTCGAGCAAGGAGAAGGAATCCCCGGGG[G>A]GCGCCGAGGCGTGCACCCCACCCCGCGCGACGACCCCCGGTGGCCGGACCCTGGAGCGGG-3'
Protein context (NP_055790.1, residues 1355-1375): VSSKEKESPG[Gly1365Ser]AEACTPPRAT